The following is an entry in ClinVar:

ClinVar aggregate classification (germline): Likely benign. Review status: criteria provided, multiple submitters, no conflicts (2 of 4 stars). 3 submissions from 3 submitters: Likely benign (3). Last evaluated 2025-10-08.

Conditions:
Neuronal ceroid lipofuscinosis. Also called: Neuronal Ceroid Lipofuscinoses. Identifiers: Orphanet 216, Orphanet 79263, MedGen C0027877, MONDO:0016295. Disease mechanism: loss of function.

Allele frequency attached by ClinVar (database versions not stated): ExAC 0.00001; gnomAD 0.00001; gnomAD exomes 0.00002 and 0.00004; TOPMed 0.00003; 1000 Genomes Project 30x 0.00016; 1000 Genomes Project 0.00020.
gnomAD v4.1: 61 of 1,612,156 alleles (0.0038%); highest among the groups gnomAD compares: South Asian, 0.0077%; no homozygotes.

Submissions (3):

Labcorp Genetics (formerly Invitae), Labcorp
Classification: Likely benign for Neuronal ceroid lipofuscinosis. Last evaluated: 2025-10-08. Review status: criteria provided, single submitter. Criteria: Invitae Variant Classification Sherloc (09022015). Collection method: clinical testing. Allele origin: germline.

Blueprint Genetics
Classification: Likely benign. Last evaluated: 2024-07-11. Review status: criteria provided, single submitter. Criteria: ACMG Guidelines, 2015. Collection method: clinical testing. Allele origin: germline.

GeneDx
Classification: Likely benign. Last evaluated: 2018-02-18. Review status: criteria provided, single submitter. Criteria: GeneDx Variant Classification (06012015). Collection method: clinical testing. Allele origin: germline. Affected: yes.
Comment: This variant is considered likely benign or benign based on one or more of the following criteria: it is a conservative change, it occurs at a poorly conserved position in the protein, it is predicted to be benign by multiple in silico algorithms, and/or has population frequency not consistent with disease.

NM_001909.5(CTSD):c.492G>A (p.Ser164=)

Gene: CTSD (cathepsin D; minus strand). Cytogenetic location: 11p15.5.
Variant type: single nucleotide variant.
Coding change: c.492G>A on transcript NM_001909.5 (MANE Select); coding-DNA position 492, G replaced by A.
Protein change: p.Ser164=; no amino-acid change (serine 164 retained).
Molecular consequence: synonymous variant.
Genome position (GRCh38, 1-based): chr11:1,757,536, C>T on the plus strand (G>A on the coding strand, the complement: CTSD is on the minus strand). VCF-style: chr11-1757536-C-T. GRCh37 (hg19) VCF-style: chr11-1778766-C-T.
Identifiers: ClinVar variation 515555 (VCV000515555.11), dbSNP rs577842448, ClinGen allele CA5814152.